The following is an entry in ClinVar:

NM_000238.4(KCNH2):c.2541G>T (p.Glu847Asp)

Gene: KCNH2 (potassium voltage-gated channel subfamily H member 2; minus strand). Cytogenetic location: 7q36.1.
Variant type: single nucleotide variant.
Coding change: c.2541G>T on transcript NM_000238.4 (MANE Select); coding-DNA position 2541, G replaced by T.
Protein change: p.Glu847Asp; replaces glutamic acid 847 with aspartic acid.
Molecular consequence: missense variant.
Genome position (GRCh38, 1-based): chr7:150,948,907, C>A on the plus strand (G>T on the coding strand, the complement: KCNH2 is on the minus strand). VCF-style: chr7-150948907-C-A. GRCh37 (hg19) VCF-style: chr7-150645995-C-A.
Other names: c.1521G>T, p.Glu507Asp (NM_172057.3); short protein forms E507D, E847D.
Identifiers: ClinVar variation 1332607 (VCV001332607.8), dbSNP rs866263680, ClinGen allele CA169074754.

ClinVar aggregate classification (germline): Uncertain significance. Review status: criteria provided, multiple submitters, no conflicts (2 of 4 stars). 3 submissions from 3 submitters: Uncertain significance (3). Last evaluated 2026-09-21.

Conditions:
Cardiovascular phenotype. Identifiers: MedGen CN230736.
Cardiac arrhythmia. Also called: Arrhythmia; Cardiac rhythm disease. Identifiers: MedGen C0003811, MONDO:0007263, HP:0011675.
Long QT syndrome (LQTS). Identifiers: MedGen C0023976, MeSH D008133, MONDO:0002442. Disease mechanism: loss of function. Inheritance: Various modes of inheritance.

Allele frequency attached by ClinVar (database versions not stated): TOPMed below 0.00001.
gnomAD v4.1: 3 of 1,614,216 alleles (0.00019%); highest among the groups gnomAD compares: Middle Eastern, 0.033%; no homozygotes.

Submissions (3):

Molecular Diagnostic Laboratory for Inherited Cardiovascular Disease, Montreal Heart Institute
Classification: Uncertain significance for Cardiovascular phenotype. Last evaluated: 2026-09-21. Review status: criteria provided, single submitter. Criteria: ACMG Guidelines, 2015. Collection method: clinical testing. Allele origin: germline. Affected: yes.
Comment: BS1, PP2

Color Diagnostics, LLC DBA Color Health
Classification: Uncertain significance for Cardiac arrhythmia. Last evaluated: 2024-03-06. Review status: criteria provided, single submitter. Criteria: ACMG Guidelines, 2015. Collection method: clinical testing. Allele origin: germline.
Comment: This missense variant replaces glutamic acid with aspartic acid at codon 847 of the KCNH2 protein. Computational prediction is inconclusive regarding the impact of this variant on protein structure and function (internally defined REVEL score threshold 0.5 < inconclusive < 0.7, PMID: 27666373). To our knowledge, functional studies have not been reported for this variant. This variant has not been reported in individuals affected with cardiovascular disorders in the literature. This variant has not been identified in the general population by the Genome Aggregation Database (gnomAD). The available evidence is insufficient to determine the role of this variant in disease conclusively. Therefore, this variant is classified as a Variant of Uncertain Significance.

All of Us Research Program, National Institutes of Health
Classification: Uncertain significance for Long QT syndrome. Last evaluated: 2023-07-19. Review status: criteria provided, single submitter. Criteria: ACMG Guidelines, 2015. Collection method: clinical testing. Allele origin: germline. Inheritance: Autosomal dominant inheritance. Observed: 1 variant allele, 1 heterozygote.
Comment: This missense variant replaces glutamic acid with aspartic acid at codon 847 of the KCNH2 protein. Computational prediction is inconclusive regarding the impact of this variant on protein structure and function (internally defined REVEL score threshold 0.5 < inconclusive < 0.7, PMID: 27666373). To our knowledge, functional studies have not been reported for this variant. This variant has not been reported in individuals affected with cardiovascular disorders in the literature. This variant has not been identified in the general population by the Genome Aggregation Database (gnomAD). The available evidence is insufficient to determine the role of this variant in disease conclusively. Therefore, this variant is classified as a Variant of Uncertain Significance.

This study involves interpretation of variants in research participants for the purpose of population health screening. Participant phenotype was not available at the time of variant classification. Additional details can be found in publication PMID: 35346344, PMCID: PMC8962531